The following is an entry in ClinVar:

NM_001009999.3(KDM1A):c.184A>C (p.Lys62Gln)

Gene: KDM1A (lysine demethylase 1A; plus strand). Cytogenetic location: 1p36.12.
Variant type: single nucleotide variant.
Coding change: c.184A>C on transcript NM_001009999.3 (MANE Select); coding-DNA position 184, A replaced by C.
Protein change: p.Lys62Gln; replaces lysine 62 with glutamine.
Molecular consequence: missense variant.
Genome position (GRCh38, 1-based): chr1:23,019,780, A>C. VCF-style: chr1-23019780-A-C. GRCh37 (hg19) VCF-style: chr1-23346273-A-C.
Other names: c.184A>C, p.Lys62Gln (NM_001410762.1, NM_001410763.1, NM_015013.4 and 1 more transcripts); short protein forms K62Q.
Identifiers: ClinVar variation 4091029 (VCV004091029.1).

ClinVar aggregate classification (germline): Uncertain significance (1 of 4 stars; one submission).

Conditions:
Inborn genetic diseases. Identifiers: MedGen C0950123, MeSH D030342.

gnomAD v4.1: 1 of 1,375,722 alleles (0.000073%); highest among the groups gnomAD compares: Non-Finnish European, 0.000094%; no homozygotes.

Submission:

Ambry Genetics
Classification: Uncertain significance for Inborn genetic diseases. Last evaluated: 2025-06-20. Review status: criteria provided, single submitter. Criteria: Ambry Variant Classification Scheme 2023. Collection method: clinical testing. Allele origin: germline.
Comment: The p.K62Q variant (also known as c.184A>C), located in coding exon 1 of the KDM1A gene, results from an A to C substitution at nucleotide position 184. The lysine at codon 62 is replaced by glutamine, an amino acid with similar properties. This amino acid position is conserved. In addition, this alteration is predicted to be tolerated by in silico analysis. Based on the available evidence, the clinical significance of this variant remains unclear.